The following is an entry in ClinVar:

ClinVar aggregate classification (germline): Conflicting classifications of pathogenicity. Review status: criteria provided, conflicting classifications (1 of 4 stars). 3 submissions from 1 submitter: Uncertain significance (2); Benign (1). Last evaluated 2018-01-13.

Conditions:
Hereditary pheochromocytoma and paraganglioma. Also called: Hereditary Paraganglioma-Pheochromocytoma Syndromes; Hereditary paragangliomas and pheochromocytomas; Hereditary pheochromocytoma-paraganglioma. Identifiers: Orphanet 29072, MedGen C4274332, MONDO:0017366.
Leigh syndrome (NULS). Also called: Leigh Disease; Subacute necrotizing encephalopathy; Necrotizing encephalopathy infantile subacute of Leigh; Leigh's syndrome; LEIGH SYNDROME, NUCLEAR; Leigh's necrotizing encephalopathy. Identifiers: Orphanet 506, MedGen C2931891, MONDO:0009723, OMIM 256000.
Mitochondrial complex II deficiency, nuclear type 1. Also called: SUCCINATE CoQ REDUCTASE DEFICIENCY. Identifiers: Orphanet 3208, MedGen C5700310, MONDO:0100294, OMIM 252011.

Allele frequency attached by ClinVar (database versions not stated): TOPMed 0.00225; gnomAD 0.00255; 1000 Genomes Project 0.00300; 1000 Genomes Project 30x 0.00406.
gnomAD v4.1: 517 of 801,444 alleles (0.065%); highest among the groups gnomAD compares: African/African-American, 0.76%; 1 homozygote.

Submissions (3):

Illumina Laboratory Services, Illumina
Classification: Benign for Hereditary Paraganglioma-Pheochromocytoma Syndromes. Last evaluated: 2018-01-13. Review status: criteria provided, single submitter. Criteria: ICSL Variant Classification Criteria 13 December 2019. Collection method: clinical testing. Allele origin: germline.
Comment: This variant was observed in the ICSL laboratory as part of a predisposition screen in an ostensibly healthy population. It had not been previously curated by ICSL or reported in the Human Gene Mutation Database (HGMD: prior to June 1st, 2018), and was therefore a candidate for classification through an automated scoring system. Utilizing variant allele frequency, disease prevalence and penetrance estimates, and inheritance mode, an automated score was calculated to assess if this variant is too frequent to cause the disease. Based on the score and internal cut-off values, a variant classified as benign is not then subjected to further curation. The score for this variant resulted in a classification of benign for this disease.

Illumina Laboratory Services, Illumina
Classification: Uncertain significance for Mitochondrial complex II deficiency, nuclear type 1. Last evaluated: 2018-01-13. Review status: criteria provided, single submitter. Criteria: ICSL Variant Classification Criteria 13 December 2019. Collection method: clinical testing. Allele origin: germline.

Illumina Laboratory Services, Illumina
Classification: Uncertain significance for Leigh syndrome. Last evaluated: 2018-01-13. Review status: criteria provided, single submitter. Criteria: ICSL Variant Classification Criteria 13 December 2019. Collection method: clinical testing. Allele origin: germline.

NM_004168.4(SDHA):c.*133G>C

Gene: SDHA (succinate dehydrogenase complex flavoprotein subunit A; plus strand). Cytogenetic location: 5p15.33.
Variant type: single nucleotide variant.
Coding change: c.*133G>C on transcript NM_004168.4 (MANE Select); 133 bases downstream of the stop codon, G replaced by C.
Molecular consequence: 3 prime UTR variant.
Genome position (GRCh38, 1-based): chr5:256,553, G>C. VCF-style: chr5-256553-G-C. GRCh37 (hg19) VCF-style: chr5-256668-G-C.
Other names: c.*133G>C (NM_001294332.2, NM_001330758.2).
Identifiers: ClinVar variation 353208 (VCV000353208.5), dbSNP rs193112615, ClinGen allele CA10624444.
Genomic context (GRCh38, chr5:256,553, plus strand): 5'-ATAACTGTCTTCATACGCTTCTGCACTCTGGGGAAGAAGGAGTACATTGAAGGGAGATTG[G>C]CACCTAGTGGCTGGGAGCTTGCCAGGAACCCAGTGGCCAGGGAGCGTGGCACTTACCTTT-3'